The following is an entry in ClinVar:

ClinVar aggregate classification (germline): Uncertain significance. Review status: criteria provided, multiple submitters, no conflicts (2 of 4 stars). 2 submissions from 2 submitters: Uncertain significance (2). Last evaluated 2024-05-22.

Conditions:
T-cell immunodeficiency, congenital alopecia, and nail dystrophy. Also called: Congenital alopecia and nail dystrophy associated with severe functional T-cell immunodeficiency; Pignata Guarino syndrome. Identifiers: Orphanet 169095, MedGen C1866426, MONDO:0011132, OMIM 601705.

Allele frequency attached by ClinVar (database versions not stated): gnomAD 0.00001; gnomAD exomes 0.00001; ExAC 0.00002; TOPMed 0.00002.
gnomAD v4.1: 12 of 1,613,122 alleles (0.00074%); highest among the groups gnomAD compares: African/African-American, 0.0027%; no homozygotes.

Submissions (2):

Labcorp Genetics (formerly Invitae), Labcorp
Classification: Uncertain significance for T-cell immunodeficiency, congenital alopecia, and nail dystrophy. Last evaluated: 2024-05-22. Review status: criteria provided, single submitter. Criteria: Invitae Variant Classification Sherloc (09022015). Collection method: clinical testing. Allele origin: germline.
Comment: This sequence change replaces proline, which is neutral and non-polar, with threonine, which is neutral and polar, at codon 125 of the FOXN1 protein (p.Pro125Thr). This variant is present in population databases (rs757155505, gnomAD 0.002%). This variant has not been reported in the literature in individuals affected with FOXN1-related conditions. ClinVar contains an entry for this variant (Variation ID: 890508). Advanced modeling of protein sequence and biophysical properties (such as structural, functional, and spatial information, amino acid conservation, physicochemical variation, residue mobility, and thermodynamic stability) performed at Invitae indicates that this missense variant is not expected to disrupt FOXN1 protein function with a negative predictive value of 80%. In summary, the available evidence is currently insufficient to determine the role of this variant in disease. Therefore, it has been classified as a Variant of Uncertain Significance.

Illumina Laboratory Services, Illumina
Classification: Uncertain significance for T-cell immunodeficiency, congenital alopecia, and nail dystrophy. Last evaluated: 2018-01-12. Review status: criteria provided, single submitter. Criteria: ICSL Variant Classification Criteria 13 December 2019. Collection method: clinical testing. Allele origin: germline.

NM_001369369.1(FOXN1):c.373C>A (p.Pro125Thr)

Gene: FOXN1 (forkhead box N1; plus strand). Cytogenetic location: 17q11.2.
Variant type: single nucleotide variant.
Coding change: c.373C>A on transcript NM_001369369.1 (MANE Select); coding-DNA position 373, C replaced by A.
Protein change: p.Pro125Thr; replaces proline 125 with threonine.
Molecular consequence: missense variant.
Genome position (GRCh38, 1-based): chr17:28,524,752, C>A. VCF-style: chr17-28524752-C-A. GRCh37 (hg19) VCF-style: chr17-26851770-C-A.
Other names: c.373C>A, p.Pro125Thr (NM_003593.3); short protein forms P125T.
Identifiers: ClinVar variation 890508 (VCV000890508.5), dbSNP rs757155505, ClinGen allele CA8459209.